The following is an entry in ClinVar:

NM_001039348.3(EFEMP1):c.376G>C (p.Ala126Pro)

Gene: EFEMP1 (EGF-like fibulin extracellular matrix protein 1; minus strand). Cytogenetic location: 2p16.1.
Variant type: single nucleotide variant.
Coding change: c.376G>C on transcript NM_001039348.3 (MANE Select); coding-DNA position 376, G replaced by C.
Protein change: p.Ala126Pro; replaces alanine 126 with proline.
Molecular consequence: missense variant.
Genome position (GRCh38, 1-based): chr2:55,917,806, C>G on the plus strand (G>C on the coding strand, the complement: EFEMP1 is on the minus strand). VCF-style: chr2-55917806-C-G. GRCh37 (hg19) VCF-style: chr2-56144941-C-G.
Other names: c.376G>C, p.Ala126Pro (NM_001039349.3); c.376G>C (NM_001039348.2); short protein forms A126P.
Identifiers: ClinVar variation 1058543 (VCV001058543.10), dbSNP rs373554215, ClinGen allele CA347026595.

ClinVar aggregate classification (germline): Uncertain significance. Review status: criteria provided, multiple submitters, no conflicts (2 of 4 stars). 2 submissions from 2 submitters: Uncertain significance (2). Last evaluated 2025-06-22.

Conditions:
Inborn genetic diseases. Identifiers: MedGen C0950123, MeSH D030342.

Submissions (2):

Ambry Genetics
Classification: Uncertain significance for Inborn genetic diseases. Last evaluated: 2025-06-22. Review status: criteria provided, single submitter. Criteria: Ambry Variant Classification Scheme 2023. Collection method: clinical testing. Allele origin: germline.

Labcorp Genetics (formerly Invitae), Labcorp
Classification: Uncertain significance. Last evaluated: 2020-03-17. Review status: criteria provided, single submitter. Criteria: Invitae Variant Classification Sherloc (09022015). Collection method: clinical testing. Allele origin: germline.
Comment: This sequence change replaces alanine with proline at codon 126 of the EFEMP1 protein (p.Ala126Pro). The alanine residue is moderately conserved and there is a small physicochemical difference between alanine and proline. In summary, the available evidence is currently insufficient to determine the role of this variant in disease. Therefore, it has been classified as a Variant of Uncertain Significance. Algorithms developed to predict the effect of missense changes on protein structure and function are either unavailable or do not agree on the potential impact of this missense change (SIFT: "Deleterious"; PolyPhen-2: "Benign"; Align-GVGD: "Class C0"). This variant has not been reported in the literature in individuals with EFEMP1-related conditions. This variant is not present in population databases (ExAC no frequency).